The following is an entry in ClinVar:

ClinVar aggregate classification (germline): Uncertain significance (1 of 4 stars; one submission).

Submission:

Ambry Genetics
Classification: Uncertain significance. Last evaluated: 2024-08-17. Review status: criteria provided, single submitter. Criteria: Ambry Variant Classification Scheme 2023. Collection method: clinical testing. Allele origin: germline.
Comment: The p.K90N variant (also known as c.270G>T), located in coding exon 3 of the NQO1 gene, results from a G to T substitution at nucleotide position 270. The lysine at codon 90 is replaced by asparagine, an amino acid with similar properties. This amino acid position is conserved. In addition, this alteration is predicted to be tolerated by in silico analysis. Based on the available evidence, the clinical significance of this variant remains unclear.

NM_000903.3(NQO1):c.270G>T (p.Lys90Asn)

Gene: NQO1 (NAD(P)H quinone dehydrogenase 1; minus strand). Cytogenetic location: 16q22.1.
Variant type: single nucleotide variant.
Coding change: c.270G>T on transcript NM_000903.3 (MANE Select); coding-DNA position 270, G replaced by T.
Protein change: p.Lys90Asn; replaces lysine 90 with asparagine.
Molecular consequence: missense variant.
Genome position (GRCh38, 1-based): chr16:69,718,156, C>A on the plus strand (G>T on the coding strand, the complement: NQO1 is on the minus strand). VCF-style: chr16-69718156-C-A. GRCh37 (hg19) VCF-style: chr16-69752059-C-A.
Other names: c.270G>T, p.Lys90Asn (NM_001025433.2, NM_001025434.2, NM_001286137.2); short protein forms K90N.
Identifiers: ClinVar variation 3407564 (VCV003407564.1).